The following is an entry in ClinVar:

ClinVar aggregate classification (germline): Uncertain significance (1 of 4 stars; one submission).

Allele frequency attached by ClinVar (database versions not stated): TOPMed below 0.00001; gnomAD 0.00001.
gnomAD v4.1: 1 of 1,611,136 alleles (0.000062%); highest among the groups gnomAD compares: East Asian, 0.0022%; no homozygotes.

Submission:

Labcorp Genetics (formerly Invitae), Labcorp
Classification: Uncertain significance. Last evaluated: 2024-01-18. Review status: criteria provided, single submitter. Criteria: Invitae Variant Classification Sherloc (09022015). Collection method: clinical testing. Allele origin: germline.
Comment: This sequence change replaces arginine, which is basic and polar, with proline, which is neutral and non-polar, at codon 264 of the SEMA4A protein (p.Arg264Pro). This variant is not present in population databases (gnomAD no frequency). This variant has not been reported in the literature in individuals affected with SEMA4A-related conditions. ClinVar contains an entry for this variant (Variation ID: 2113279). Advanced modeling of protein sequence and biophysical properties (such as structural, functional, and spatial information, amino acid conservation, physicochemical variation, residue mobility, and thermodynamic stability) performed at Invitae indicates that this missense variant is expected to disrupt SEMA4A protein function with a positive predictive value of 80%. In summary, the available evidence is currently insufficient to determine the role of this variant in disease. Therefore, it has been classified as a Variant of Uncertain Significance.

NM_022367.4(SEMA4A):c.791G>C (p.Arg264Pro)

Gene: SEMA4A (semaphorin 4A; plus strand). Cytogenetic location: 1q22.
Variant type: single nucleotide variant.
Coding change: c.791G>C on transcript NM_022367.4 (MANE Select); coding-DNA position 791, G replaced by C.
Protein change: p.Arg264Pro; replaces arginine 264 with proline.
Molecular consequence: missense variant.
Genome position (GRCh38, 1-based): chr1:156,161,010, G>C. VCF-style: chr1-156161010-G-C. GRCh37 (hg19) VCF-style: chr1-156130801-G-C.
Other names: c.791G>C, p.Arg264Pro (NM_001193300.2, NM_001193301.2, NM_001370567.1); c.395G>C, p.Arg132Pro (NM_001193302.2); c.494G>C, p.Arg165Pro (NM_001370568.1); c.284G>C, p.Arg95Pro (NM_001370569.1, NM_001370571.1); short protein forms R95P, R165P, R132P, R264P.
Identifiers: ClinVar variation 2113279 (VCV002113279.4), dbSNP rs781401908, ClinGen allele CA342838790.